The following is an entry in ClinVar:

NM_001330078.2(NRXN1):c.772+162C>T

Gene: NRXN1 (neurexin 1; minus strand). Cytogenetic location: 2p16.3.
Variant type: single nucleotide variant.
Coding change: c.772+162C>T on transcript NM_001330078.2 (MANE Select); 162 bases into the intron after coding-DNA position 772, C replaced by T.
Molecular consequence: intron variant.
Genome position (GRCh38, 1-based): chr2:51,027,340, G>A on the plus strand (C>T on the coding strand, the complement: NRXN1 is on the minus strand). VCF-style: chr2-51027340-G-A. GRCh37 (hg19) VCF-style: chr2-51254478-G-A.
Other names: c.772+162C>T (NM_001330096.2, NM_001330087.2, NM_001330083.2 and 15 more transcripts).
Identifiers: ClinVar variation 667701 (VCV000667701.2), dbSNP rs13023341, ClinGen allele CA11012727.

ClinVar aggregate classification (germline): Benign. Review status: criteria provided, multiple submitters, no conflicts (2 of 4 stars). 2 submissions from 2 submitters: Benign (2). Last evaluated 2018-06-14.

Allele frequency attached by ClinVar (database versions not stated): 1000 Genomes Project 30x 0.16802; 1000 Genomes Project 0.17053; TOPMed 0.20976; gnomAD 0.22291 and 0.22382.
gnomAD v4.1: 33,935 of 152,100 alleles (22%); highest among the groups gnomAD compares: Non-Finnish European, 30%; 4,312 homozygotes.

Submissions (2):

GeneDx
Classification: Benign. Last evaluated: 2018-06-14. Review status: criteria provided, single submitter. Criteria: GeneDx Variant Classification (06012015). Collection method: clinical testing. Allele origin: germline. Affected: yes.
Comment: This variant is considered likely benign or benign based on one or more of the following criteria: it is a conservative change, it occurs at a poorly conserved position in the protein, it is predicted to be benign by multiple in silico algorithms, and/or has population frequency not consistent with disease.

Breakthrough Genomics
Classification: Benign. Review status: criteria provided, single submitter. Criteria: ACMG Guidelines, 2015. Collection method: not provided. Allele origin: germline. Inheritance: Autosomal recessive inheritance. Affected: yes.